The following is an entry in ClinVar:

ClinVar aggregate classification (germline): other (0 of 4 stars; one submission).

Conditions:
Familial colorectal cancer. Identifiers: MedGen CN280943, MONDO:0023113. Disease mechanism: loss of function.

Submission:

Systems Biology Platform Zhejiang California International NanoSystems Institute
Classification: other for Familial colorectal cancer. Review status: no assertion criteria provided. Collection method: not provided. Allele origin: unknown.
ClinVar note: Converted during submission from cancer to other.

NM_000038.6(APC):c.1409-934C>G

Gene: APC (APC regulator of WNT signaling pathway; plus strand). Cytogenetic location: 5q22.2.
Variant type: single nucleotide variant.
Coding change: c.1409-934C>G on transcript NM_000038.6 (MANE Select); 934 bases into the intron before coding-DNA position 1409, C replaced by G.
Molecular consequence: intron variant.
Genome position (GRCh38, 1-based): chr5:112,826,174, C>G. VCF-style: chr5-112826174-C-G. GRCh37 (hg19) VCF-style: chr5-112161871-C-G.
Other names: c.1409-934C>G (NM_001354895.2, NM_001127510.3); c.1439-934C>G (NM_001354897.2); c.1136-934C>G (NM_001354902.2); c.1355-934C>G (NM_001127511.3); c.1334-934C>G (NM_001354898.2); c.1031-934C>G (NM_001354904.2); c.560-934C>G (NM_001354906.2); c.1463-934C>G (NM_001354896.2); and 5 more.
Identifiers: ClinVar variation 82579 (VCV000082579.2), dbSNP rs79511526, ClinGen allele CA005114.